The following is an entry in ClinVar:

NM_024675.4(PALB2):c.-3_-2del

Gene: PALB2 (partner and localizer of BRCA2; minus strand). Cytogenetic location: 16p12.2.
Variant type: Deletion.
Coding change: c.-3_-2del on transcript NM_024675.4 (MANE Select); 3 bases upstream of the start codon through 2 bases upstream of the start codon, 2 bases deleted (CC; older notation c.-3_-2delCC).
Molecular consequence: 5 prime UTR variant.
Genome position (GRCh38, 1-based): chr16:23,641,159-23,641,160, GG deleted on the plus strand (CC on the coding strand, the reverse complement: PALB2 is on the minus strand); deleting any 2 consecutive bases within chr16:23,641,159-23,641,161 gives the same sequence; the c. name uses the placement nearest the transcript's 3' end. VCF-style (leftmost placement, unchanged base first): chr16-23641158-CGG-C. GRCh37 (hg19) VCF-style: chr16-23652479-CGG-C.
Identifiers: ClinVar variation 822550 (VCV000822550.5), dbSNP rs1597106275, ClinGen allele CA915949149.

ClinVar aggregate classification (germline): Uncertain significance (1 of 4 stars; one submission).

Conditions:
Hereditary cancer-predisposing syndrome. Also called: Tumor predisposition; Hereditary Cancer Syndrome; Neoplastic Syndromes, Hereditary; Hereditary neoplastic syndrome. Identifiers: Orphanet 140162, MedGen C0027672, MeSH D009386, MONDO:0015356.

Submission:

Ambry Genetics
Classification: Uncertain significance for Hereditary cancer-predisposing syndrome. Last evaluated: 2025-02-07. Review status: criteria provided, single submitter. Criteria: Ambry Variant Classification Scheme 2023. Collection method: clinical testing. Allele origin: germline.
Comment: The c.-3_-2delCC variant is located in the 5' untranslated region (5'UTR) in the PALB2 gene. This variant results from a deletion of 2 nucleotides at positions c.-3 to c.-2. This nucleotide region is not well conserved in available vertebrate species. Based on the available evidence, the clinical significance of this variant remains unclear.